The following is an entry in ClinVar:

ClinVar aggregate classification (germline): Uncertain significance. Review status: criteria provided, multiple submitters, no conflicts (2 of 4 stars). 2 submissions from 2 submitters: Uncertain significance (2). Last evaluated 2026-01-06.

Allele frequency attached by ClinVar (database versions not stated): TOPMed below 0.00001; ExAC 0.00001; gnomAD 0.00001.

Submissions (2):

Labcorp Genetics (formerly Invitae), Labcorp
Classification: Uncertain significance. Last evaluated: 2026-01-06. Review status: criteria provided, single submitter. Criteria: Invitae Variant Classification Sherloc (09022015). Collection method: clinical testing. Allele origin: germline.
Comment: This sequence change replaces threonine, which is neutral and polar, with methionine, which is neutral and non-polar, at codon 235 of the ACO2 protein (p.Thr235Met). This variant is present in population databases (rs758983751, gnomAD 0.003%). This variant has not been reported in the literature in individuals affected with ACO2-related conditions. ClinVar contains an entry for this variant (Variation ID: 2982996). Invitae Evidence Modeling of protein sequence and biophysical properties (such as structural, functional, and spatial information, amino acid conservation, physicochemical variation, residue mobility, and thermodynamic stability) indicates that this missense variant is expected to disrupt ACO2 protein function with a positive predictive value of 80%. In summary, the available evidence is currently insufficient to determine the role of this variant in disease. Therefore, it has been classified as a Variant of Uncertain Significance.

Blueprint Genetics
Classification: Uncertain significance. Last evaluated: 2023-11-14. Review status: criteria provided, single submitter. Criteria: ACMG Guidelines, 2015. Collection method: clinical testing. Allele origin: germline.

NM_001098.3(ACO2):c.704C>T (p.Thr235Met)

Gene: ACO2 (aconitase 2; plus strand). Cytogenetic location: 22q13.2.
Variant type: single nucleotide variant.
Coding change: c.704C>T on transcript NM_001098.3 (MANE Select); coding-DNA position 704, C replaced by T.
Protein change: p.Thr235Met; replaces threonine 235 with methionine.
Molecular consequence: missense variant.
Genome position (GRCh38, 1-based): chr22:41,515,786, C>T. VCF-style: chr22-41515786-C-T. GRCh37 (hg19) VCF-style: chr22-41911790-C-T.
Other names: short protein forms T235M.
Identifiers: ClinVar variation 2982996 (VCV002982996.4), dbSNP rs758983751, ClinGen allele CA10257432.
Genomic context (GRCh38, chr22:41,515,786, plus strand): 5'-ACACACGGCCTCTCACAGCCGCCTCGCCCCCTCCTGTCCAGGTGATTGGCGTGAAGCTGA[C>T]GGGCTCTCTCTCCGGTTGGTCCTCACCCAAAGATGTGATCCTGAAGGTGGCAGGCATCCT-3'
Protein context (NP_001089.1, residues 225-245): KCPKVIGVKL[Thr235Met]GSLSGWSSPK